The following is an entry in ClinVar:

ClinVar aggregate classification (germline): Uncertain significance (1 of 4 stars; one submission).

Submission:

GeneDx
Classification: Uncertain significance. Last evaluated: 2025-05-27. Review status: criteria provided, single submitter. Criteria: GeneDx Variant Classification Process June 2021. Collection method: clinical testing. Allele origin: germline. Affected: yes.
Comment: Not observed at significant frequency in large population cohorts (gnomAD); In silico analysis suggests that this missense variant does not alter protein structure/function; Has not been previously published as pathogenic or benign to our knowledge

NM_001148.6(ANK2):c.7339T>G (p.Ser2447Ala)

Genes: ANK2 (ankyrin 2; plus strand), LOC126807137 (CDK7 strongly-dependent group 2 enhancer GRCh37_chr4:114276560-114277759; plus strand). Cytogenetic location: 4q26.
Variant type: single nucleotide variant.
Coding change: c.7339T>G on transcript NM_001148.6 (MANE Select); coding-DNA position 7339, T replaced by G.
Protein change: p.Ser2447Ala; replaces serine 2447 with alanine.
Molecular consequence: missense variant. On other transcripts: intron variant (68).
Genome position (GRCh38, 1-based): chr4:113,355,957, T>G. VCF-style: chr4-113355957-T-G. GRCh37 (hg19) VCF-style: chr4-114277113-T-G.
Other names: c.7105T>G, p.Ser2369Ala (NM_001386142.1); c.3739T>G, p.Ser1247Ala (NM_001386166.1); c.7480T>G, p.Ser2494Ala (NM_001386174.1); c.7456T>G, p.Ser2486Ala (NM_001386175.1); c.4412-4866T>G (NM_001386186.2, NM_001386148.2); c.4214-4866T>G (NM_001354269.3); c.4292-4866T>G (NM_001386187.2); c.4253-4866T>G (NM_001386147.1); and 35 more; short protein forms S1247A, S2369A, S2447A, S2486A, S2494A.
Identifiers: ClinVar variation 4532427 (VCV004532427.1).